The following is an entry in ClinVar:

ClinVar aggregate classification (germline): Uncertain significance. Review status: criteria provided, multiple submitters, no conflicts (2 of 4 stars). 2 submissions from 2 submitters: Uncertain significance (2). Last evaluated 2022-05-01.

Conditions:
Hyper-IgM syndrome type 5 (HIGM5). Also called: Hyper-IgM Immunodeficiency Syndrome, Type 5. Identifiers: Orphanet 101092, MedGen C1720958, MONDO:0011971, OMIM 608106.

Allele frequency attached by ClinVar (database versions not stated): gnomAD 0.00002; TOPMed 0.00002; gnomAD exomes 0.00003 and 0.00006; ExAC 0.00007.
gnomAD v4.1: 49 of 1,613,656 alleles (0.003%); highest among the groups gnomAD compares: Admixed American, 0.0083%; no homozygotes.

Submissions (2):

Ambry Genetics
Classification: Uncertain significance. Last evaluated: 2022-05-01. Review status: criteria provided, single submitter. Criteria: Ambry Variant Classification Scheme 2023. Collection method: clinical testing. Allele origin: germline.

Labcorp Genetics (formerly Invitae), Labcorp
Classification: Uncertain significance for Hyper-IgM syndrome type 5. Last evaluated: 2021-09-02. Review status: criteria provided, single submitter. Criteria: Invitae Variant Classification Sherloc (09022015). Collection method: clinical testing. Allele origin: germline.
Comment: This sequence change replaces arginine with serine at codon 122 of the UNG protein (p.Arg122Ser). The arginine residue is highly conserved and there is a moderate physicochemical difference between arginine and serine. This variant is present in population databases (rs200273184, ExAC 0.01%). This variant has not been reported in the literature in individuals affected with UNG-related conditions. Algorithms developed to predict the effect of missense changes on protein structure and function are either unavailable or do not agree on the potential impact of this missense change (SIFT: "Deleterious"; PolyPhen-2: "Possibly Damaging"; Align-GVGD: "Class C0"). In summary, the available evidence is currently insufficient to determine the role of this variant in disease. Therefore, it has been classified as a Variant of Uncertain Significance.

NM_080911.3(UNG):c.366A>C (p.Arg122Ser)

Gene: UNG (uracil DNA glycosylase; plus strand). Cytogenetic location: 12q24.11.
Variant type: single nucleotide variant.
Coding change: c.366A>C on transcript NM_080911.3 (MANE Select); coding-DNA position 366, A replaced by C.
Protein change: p.Arg122Ser; replaces arginine 122 with serine.
Molecular consequence: missense variant.
Genome position (GRCh38, 1-based): chr12:109,099,215, A>C. VCF-style: chr12-109099215-A-C. GRCh37 (hg19) VCF-style: chr12-109537020-A-C.
Other names: c.339A>C, p.Arg113Ser (NM_003362.4); short protein forms R113S, R122S.
Identifiers: ClinVar variation 652008 (VCV000652008.8), dbSNP rs200273184, ClinGen allele CA6772594.